The following is an entry in ClinVar:

NM_001355436.2(SPTB):c.5470G>A (p.Val1824Met)

Gene: SPTB (spectrin beta, erythrocytic; minus strand). Cytogenetic location: 14q23.3.
Variant type: single nucleotide variant.
Coding change: c.5470G>A on transcript NM_001355436.2 (MANE Select); coding-DNA position 5470, G replaced by A.
Protein change: p.Val1824Met; replaces valine 1824 with methionine.
Molecular consequence: missense variant.
Genome position (GRCh38, 1-based): chr14:64,772,663, C>T on the plus strand (G>A on the coding strand, the complement: SPTB is on the minus strand). VCF-style: chr14-64772663-C-T. GRCh37 (hg19) VCF-style: chr14-65239381-C-T.
Other names: NM_000347.5:c.5470G>A; c.5470G>A, p.Val1824Met (NM_001024858.4, NM_001355437.2); short protein forms V1824M.
Identifiers: ClinVar variation 3448939 (VCV003448939.3).

ClinVar aggregate classification (germline): Uncertain significance. Review status: criteria provided, multiple submitters, no conflicts (2 of 4 stars). 3 submissions from 3 submitters: Uncertain significance (3). Last evaluated 2025-12-24.

Conditions:
Inborn genetic diseases. Identifiers: MedGen C0950123, MeSH D030342.

gnomAD v4.1: 22 of 1,613,334 alleles (0.0014%); highest among the groups gnomAD compares: African/African-American, 0.019%; no homozygotes.

Submissions (3):

Labcorp Genetics (formerly Invitae), Labcorp
Classification: Uncertain significance. Last evaluated: 2025-12-24. Review status: criteria provided, single submitter. Criteria: Invitae Variant Classification Sherloc (09022015). Collection method: clinical testing. Allele origin: germline.
Comment: This sequence change replaces valine, which is neutral and non-polar, with methionine, which is neutral and non-polar, at codon 1824 of the SPTB protein (p.Val1824Met). This variant is present in population databases (rs138157205, gnomAD 0.01%). This variant has not been reported in the literature in individuals affected with SPTB-related conditions. ClinVar contains an entry for this variant (Variation ID: 3448939). An algorithm developed to predict the effect of missense changes on protein structure and function (PolyPhen-2) suggests that this variant is likely to be disruptive. In summary, the available evidence is currently insufficient to determine the role of this variant in disease. Therefore, it has been classified as a Variant of Uncertain Significance.

ARUP Laboratories, Molecular Genetics and Genomics, ARUP Laboratories
Classification: Uncertain significance. Last evaluated: 2025-06-06. Review status: criteria provided, single submitter. Criteria: ARUP Molecular Germline Variant Investigation Process 2024. Collection method: clinical testing. Allele origin: germline.
Comment: The SPTB c.5470G>A; p.Val1824Met variant (rs138157205), to our knowledge, is not reported in the medical literature but is reported in ClinVar (Variation ID: 3448939). This variant is found in the general population with an overall allele frequency of 0.002% (5/281,708 alleles) in the Genome Aggregation Database (v2.1.1). Computational analyses predict that this variant is neutral (REVEL: 0.122). Due to limited information, the clinical significance of this variant is uncertain at this time.

Ambry Genetics
Classification: Uncertain significance for Inborn genetic diseases. Last evaluated: 2024-08-11. Review status: criteria provided, single submitter. Criteria: Ambry Variant Classification Scheme 2023. Collection method: clinical testing. Allele origin: germline.